The following is an entry in ClinVar:

ClinVar aggregate classification (germline): Benign/Likely benign. Review status: criteria provided, multiple submitters, no conflicts (2 of 4 stars). 4 submissions from 4 submitters: Benign (3); Likely benign (1). Last evaluated 2026-03-01.

Conditions:
Epidermolysis bullosa simplex 1A, generalized severe (EBS1A). Also called: Epidermolysis bullosa simplex Dowling-Meara type. Identifiers: Orphanet 79396, MedGen C0079295, MONDO:0007550, OMIM 131760.
Dermatopathia pigmentosa reticularis (DPR). Identifiers: Orphanet 86920, MedGen C0406778, MONDO:0007445, OMIM 125595.
Epidermolysis bullosa simplex 1C, localized. Also called: Epidermolysis Bullosa Simplex, Weber-Cockayne Type; EBS, ACRAL FORM; EPIDERMOLYSIS BULLOSA OF HANDS AND FEET; Localized epidermolysis bullosa simplex; Weber-Cockayne Syndrome. Identifiers: Orphanet 79400, MedGen C0080333, MONDO:0007551, OMIM 131800.
Epidermolysis bullosa simplex 1D, generalized, intermediate or severe, autosomal recessive. Identifiers: Orphanet 89838, MedGen C3715082, MONDO:0010976, OMIM 601001.
Epidermolysis bullosa simplex, Koebner type. Identifiers: Orphanet 79399, MedGen C5561924, MONDO:0007554, OMIM 131900.
Naegeli-Franceschetti-Jadassohn syndrome (NFJS). Also called: NFJ SYNDROME. Identifiers: Orphanet 69087, MedGen C0343111, MONDO:0008059, OMIM 161000.

Allele frequency attached by ClinVar (database versions not stated): TOPMed 0.00456; ESP Exome Variant Server 0.00503; gnomAD 0.00519 and 0.00544; 1000 Genomes Project 0.00619; gnomAD exomes 0.00630 and 0.00823; ExAC 0.00903.
gnomAD v4.1: 12,684 of 1,600,798 alleles (0.79%); highest among the groups gnomAD compares: South Asian, 1.4%; 64 homozygotes.

Submissions (4):

CeGaT Center for Human Genetics Tuebingen
Classification: Benign. Last evaluated: 2026-03-01. Review status: criteria provided, single submitter. Criteria: CeGaT Center For Human Genetics Tuebingen Variant Classification Criteria Version 2. Collection method: clinical testing. Allele origin: germline. Affected: yes. Observed: 2 variant alleles.
Comment: KRT14: BS1, BS2

Labcorp Genetics (formerly Invitae), Labcorp
Classification: Benign. Last evaluated: 2026-01-15. Review status: criteria provided, single submitter. Criteria: Invitae Variant Classification Sherloc (09022015). Collection method: clinical testing. Allele origin: germline.

Fulgent Genetics
Classification: Likely benign for Dermatopathia pigmentosa reticularis; Epidermolysis bullosa simplex 1A, generalized severe; Epidermolysis bullosa simplex 1C, localized; Epidermolysis bullosa simplex, Koebner type; Naegeli-Franceschetti-Jadassohn syndrome; Epidermolysis bullosa simplex 1D, generalized, intermediate or severe, autosomal recessive. Last evaluated: 2021-10-12. Review status: criteria provided, single submitter. Criteria: ACMG Guidelines, 2015. Collection method: clinical testing. Allele origin: unknown.

Breakthrough Genomics
Classification: Benign. Review status: criteria provided, single submitter. Criteria: ACMG Guidelines, 2015. Collection method: not provided. Allele origin: germline. Inheritance: Autosomal recessive inheritance. Affected: yes.

NM_000526.5(KRT14):c.166C>T (p.Arg56Cys)

Gene: KRT14 (keratin 14; minus strand). Cytogenetic location: 17q21.2.
Variant type: single nucleotide variant.
Coding change: c.166C>T on transcript NM_000526.5 (MANE Select); coding-DNA position 166, C replaced by T.
Protein change: p.Arg56Cys; replaces arginine 56 with cysteine.
Molecular consequence: missense variant.
Genome position (GRCh38, 1-based): chr17:41,586,669, G>A on the plus strand (C>T on the coding strand, the complement: KRT14 is on the minus strand). VCF-style: chr17-41586669-G-A. GRCh37 (hg19) VCF-style: chr17-39742921-G-A.
Other names: short protein forms R56C.
Identifiers: ClinVar variation 781859 (VCV000781859.19), dbSNP rs117484558, ClinGen allele CA8562802.
Genomic context (GRCh38, chr17:41,586,669, plus strand): 5'-TGCTGCTGAAGCCACCGCCATAGCCGCCCCCCAGCCCGCAGGCTCCCCCAGAGGAGAAGC[G>A]GGAGGATGAGACAGACAGGCCGCCCCCGTAGGTGCTGGGGGCGCGGCAGGACCCTCCGGC-3'
Protein context (NP_000517.3, residues 46-66): YGGGLSVSSS[Arg56Cys]FSSGGACGLG